The following is an entry in ClinVar:

ClinVar aggregate classification (germline): Uncertain significance (1 of 4 stars; one submission).

gnomAD v4.1: 7 of 1,434,324 alleles (0.00049%); highest among the groups gnomAD compares: East Asian, 0.0089%; no homozygotes.

Submission:

Labcorp Genetics (formerly Invitae), Labcorp
Classification: Uncertain significance. Last evaluated: 2025-05-08. Review status: criteria provided, single submitter. Criteria: Invitae Variant Classification Sherloc (09022015). Collection method: clinical testing. Allele origin: germline.
Comment: This sequence change replaces arginine, which is basic and polar, with glycine, which is neutral and non-polar, at codon 86 of the P3H2 protein (p.Arg86Gly). This variant is present in population databases (no rsID available, gnomAD 0.01%). This variant has not been reported in the literature in individuals affected with P3H2-related conditions. ClinVar contains an entry for this variant (Variation ID: 2085315). Invitae Evidence Modeling of protein sequence and biophysical properties (such as structural, functional, and spatial information, amino acid conservation, physicochemical variation, residue mobility, and thermodynamic stability) indicates that this missense variant is not expected to disrupt P3H2 protein function with a negative predictive value of 80%. In summary, the available evidence is currently insufficient to determine the role of this variant in disease. Therefore, it has been classified as a Variant of Uncertain Significance.

NM_018192.4(P3H2):c.256C>G (p.Arg86Gly)

Gene: P3H2 (prolyl 3-hydroxylase 2; minus strand). Cytogenetic location: 3q28.
Variant type: single nucleotide variant.
Coding change: c.256C>G on transcript NM_018192.4 (MANE Select); coding-DNA position 256, C replaced by G.
Protein change: p.Arg86Gly; replaces arginine 86 with glycine.
Molecular consequence: missense variant. On other transcripts: intron variant (1).
Genome position (GRCh38, 1-based): chr3:190,120,476, G>C on the plus strand (C>G on the coding strand, the complement: P3H2 is on the minus strand). VCF-style: chr3-190120476-G-C. GRCh37 (hg19) VCF-style: chr3-189838265-G-C.
Other names: c.-64+1727C>G (NM_001134418.2); short protein forms R86G.
Identifiers: ClinVar variation 2085315 (VCV002085315.3), dbSNP rs1181319830, ClinGen allele CA355859854.
Genomic context (GRCh38, chr3:190,120,476, plus strand): 5'-CAGCGCCGGGGCCCTCGCCGGGGGGCGGGGGCGGGAGCGGGTGGCGCGCCGCGCAGTGGC[G>C]GGCACAGCGCGTGCGGATTTCCCGCAGGCGCCGGTGGCTGCGCAGCGCCGCTTCCAAGTC-3'
Protein context (NP_060662.2, residues 76-96): RLREIRTRCA[Arg86Gly]HCAARHPLPP